The following is an entry in ClinVar:

NM_001283009.2(RTEL1):c.1988T>C (p.Leu663Pro)

Genes: RTEL1 (regulator of telomere elongation helicase 1; plus strand), RTEL1-TNFRSF6B (RTEL1-TNFRSF6B readthrough (NMD candidate); plus strand). Cytogenetic location: 20q13.33.
Variant type: single nucleotide variant.
Coding change: c.1988T>C on transcript NM_001283009.2 (MANE Select); coding-DNA position 1988, T replaced by C.
Protein change: p.Leu663Pro; replaces leucine 663 with proline.
Molecular consequence: missense variant. On other transcripts: non-coding transcript variant (1).
Genome position (GRCh38, 1-based): chr20:63,689,611, T>C. VCF-style: chr20-63689611-T-C. GRCh37 (hg19) VCF-style: chr20-62320964-T-C.
Other names: c.1319T>C, p.Leu440Pro (NM_001283010.1); c.1988T>C, p.Leu663Pro (NM_016434.4); c.2060T>C, p.Leu687Pro (NM_032957.5); short protein forms L440P, L663P, L687P.
Identifiers: ClinVar variation 3948402 (VCV003948402.1).

ClinVar aggregate classification (germline): Uncertain significance (1 of 4 stars; one submission).

Conditions:
Inborn genetic diseases. Identifiers: MedGen C0950123, MeSH D030342.

Submission:

Ambry Genetics
Classification: Uncertain significance for Inborn genetic diseases. Last evaluated: 2025-05-18. Review status: criteria provided, single submitter. Criteria: Ambry Variant Classification Scheme 2023. Collection method: clinical testing. Allele origin: germline.
Comment: The p.L663P variant (also known as c.1988T>C), located in coding exon 22 of the RTEL1 gene, results from a T to C substitution at nucleotide position 1988. The leucine at codon 663 is replaced by proline, an amino acid with similar properties. This amino acid position is conserved. In addition, this alteration is predicted to be deleterious by in silico analysis. Based on the available evidence, the clinical significance of this variant remains unclear.